The following is an entry in ClinVar:

ClinVar aggregate classification (germline): Uncertain significance (1 of 4 stars; one submission).

Submission:

Labcorp Genetics (formerly Invitae), Labcorp
Classification: Uncertain significance. Last evaluated: 2022-10-28. Review status: criteria provided, single submitter. Criteria: Invitae Variant Classification Sherloc (09022015). Collection method: clinical testing. Allele origin: germline.
Comment: This sequence change replaces leucine, which is neutral and non-polar, with isoleucine, which is neutral and non-polar, at codon 139 of the PPP3CA protein (p.Leu139Ile). In summary, the available evidence is currently insufficient to determine the role of this variant in disease. Therefore, it has been classified as a Variant of Uncertain Significance. Advanced modeling of protein sequence and biophysical properties (such as structural, functional, and spatial information, amino acid conservation, physicochemical variation, residue mobility, and thermodynamic stability) performed at Invitae indicates that this missense variant is not expected to disrupt PPP3CA protein function. This variant has not been reported in the literature in individuals affected with PPP3CA-related conditions. This variant is not present in population databases (gnomAD no frequency).

NM_000944.5(PPP3CA):c.415C>A (p.Leu139Ile)

Gene: PPP3CA (protein phosphatase 3 catalytic subunit alpha; minus strand). Cytogenetic location: 4q24.
Variant type: single nucleotide variant.
Coding change: c.415C>A on transcript NM_000944.5 (MANE Select); coding-DNA position 415, C replaced by A.
Protein change: p.Leu139Ile; replaces leucine 139 with isoleucine.
Molecular consequence: missense variant.
Genome position (GRCh38, 1-based): chr4:101,099,692, G>T on the plus strand (C>A on the coding strand, the complement: PPP3CA is on the minus strand). VCF-style: chr4-101099692-G-T. GRCh37 (hg19) VCF-style: chr4-102020849-G-T.
Other names: c.415C>A, p.Leu139Ile (NM_001130691.2, NM_001130692.2); short protein forms L139I.
Identifiers: ClinVar variation 2955183 (VCV002955183.3), dbSNP rs2475928351, ClinGen allele CA357950316.